The following is an entry in ClinVar:

NM_014946.4(SPAST):c.340G>T (p.Glu114Ter)

Gene: SPAST (spastin; plus strand). Cytogenetic location: 2p22.3.
Variant type: single nucleotide variant.
Coding change: c.340G>T on transcript NM_014946.4 (MANE Select); coding-DNA position 340, G replaced by T.
Protein change: p.Glu114Ter; replaces glutamic acid 114 with a stop codon.
Molecular consequence: nonsense.
Genome position (GRCh38, 1-based): chr2:32,064,171, G>T. VCF-style: chr2-32064171-G-T. GRCh37 (hg19) VCF-style: chr2-32289240-G-T.
Other names: p. Glu114Ter; c.340G>T (NM_014946.3); c.340G>T, p.Glu114Ter (NM_001363823.2, NM_001363875.2, NM_001377959.1 and 1 more transcripts); short protein forms E114*.
Identifiers: ClinVar variation 1442664 (VCV001442664.10), dbSNP rs1553394608, ClinGen allele CA346602341.

ClinVar aggregate classification (germline): Pathogenic. Review status: criteria provided, multiple submitters, no conflicts (2 of 4 stars). 4 submissions from 4 submitters: Pathogenic (4). Last evaluated 2023-06-22.

Conditions:
Hereditary spastic paraplegia 4. Also called: Spastic paraplegia 4, autosomal dominant; Familial spastic paraplegia autosomal dominant 2; Spastic Paraplegia 4. Identifiers: Orphanet 100985, MedGen C1866855, MONDO:0008438, OMIM 182601.

Submissions (4):

Neuberg Centre For Genomic Medicine, NCGM
Classification: Pathogenic for Hereditary spastic paraplegia 4. Last evaluated: 2023-06-22. Review status: criteria provided, single submitter. Criteria: ACMG Guidelines, 2015. Collection method: clinical testing. Allele origin: germline. Inheritance: Autosomal dominant inheritance. Affected: yes.
Comment: The observed stop gained variant c.340G>T(p.Glu114Ter) in the SPAST gene has been reported previously in individuals affected with Hereditary Spastic Paraplegia (Svenson IK, et al., 2001). This variant is absent in the gnomAD Exomes. It is submitted to ClinVar as Pathogenic. Computational evidence (MutationTaster - Disease causing) predicts damaging effect on protein structure and function for this variant. This variant is predicted to cause loss of normal protein function either through protein truncation or nonsense-mediated mRNA decay. Loss of function variants have been previously reported to be disease causing. For these reasons, this variant has been classified as Pathogenic.

Athena Diagnostics
Classification: Pathogenic. Last evaluated: 2023-05-16. Review status: criteria provided, single submitter. Criteria: Athena Diagnostics Criteria. Collection method: clinical testing. Allele origin: unknown.
Comment: This variant is expected to result in the loss of a functional protein. This variant has been identified in at least one individual with clinical features associated with this gene. This variant has not been reported in large, multi-ethnic general populations.

Labcorp Genetics (formerly Invitae), Labcorp
Classification: Pathogenic for Hereditary spastic paraplegia 4. Last evaluated: 2022-11-28. Review status: criteria provided, single submitter. Criteria: Invitae Variant Classification Sherloc (09022015). Collection method: clinical testing. Allele origin: germline.
Comment: For these reasons, this variant has been classified as Pathogenic. ClinVar contains an entry for this variant (Variation ID: 1442664). This variant is also known as c.465G>T. This premature translational stop signal has been observed in individual(s) with hereditary spastic paraplegia (PMID: 11309678, 31227335). This variant is not present in population databases (gnomAD no frequency). This sequence change creates a premature translational stop signal (p.Glu114*) in the SPAST gene. It is expected to result in an absent or disrupted protein product. Loss-of-function variants in SPAST are known to be pathogenic (PMID: 20932283).

Department of Medical Genetics, Sanjay Gandhi Post Graduate Institute of Medical Sciences
Classification: Pathogenic for Hereditary spastic paraplegia 4. Review status: criteria provided, single submitter. Criteria: ACMG Guidelines, 2015. Collection method: research. Allele origin: de novo. Inheritance: Autosomal dominant inheritance. Affected: yes. Observed: 1 heterozygote.

Literature cited by the submitters: PubMed 11309678 (cited by Athena Diagnostics and Labcorp Genetics (formerly Invitae), Labcorp); PubMed 31227335 (cited by Labcorp Genetics (formerly Invitae), Labcorp and Department of Medical Genetics, Sanjay Gandhi Post Graduate Institute of Medical Sciences); PubMed 20932283 (cited by Labcorp Genetics (formerly Invitae), Labcorp and Department of Medical Genetics, Sanjay Gandhi Post Graduate Institute of Medical Sciences).